The following is an entry in ClinVar:

ClinVar aggregate classification (germline): Pathogenic (1 of 4 stars; one submission).

Submission:

GeneDx
Classification: Pathogenic. Last evaluated: 2026-02-15. Review status: criteria provided, single submitter. Criteria: GeneDx Variant Classification Process June 2021. Collection method: clinical testing. Allele origin: germline.
Comment: Nonsense variant predicted to result in protein truncation or nonsense mediated decay in a gene for which loss of function is a known mechanism of disease; Not observed at significant frequency in large population cohorts (gnomAD); This variant is associated with the following publications: (PMID: 41197259, 31737037, 35388452, 38468460)

NM_006516.4(SLC2A1):c.1097_1100del (p.Ser365_Tyr366insTer)

Gene: SLC2A1 (solute carrier family 2 member 1; minus strand). Cytogenetic location: 1p34.2.
Variant type: Deletion.
Coding change: c.1097_1100del on transcript NM_006516.4 (MANE Select); coding-DNA positions 1097 to 1100, 4 bases deleted (ATCT; older notation c.1097_1100delATCT).
Protein change: p.Ser365_Tyr366insTer.
Molecular consequence: nonsense.
Genome position (GRCh38, 1-based): chr1:42,927,783-42,927,786, AGAT deleted on the plus strand (ATCT on the coding strand, the reverse complement: SLC2A1 is on the minus strand); deleting any 4 consecutive bases within chr1:42,927,783-42,927,788 gives the same sequence; the c. name uses the placement nearest the transcript's 3' end. VCF-style (leftmost placement, unchanged base first): chr1-42927782-CAGAT-C. GRCh37 (hg19) VCF-style: chr1-43393453-CAGAT-C.
Identifiers: ClinVar variation 4888204 (VCV004888204.1).